The following is an entry in ClinVar:

ClinVar aggregate classification (germline): Uncertain significance (1 of 4 stars; one submission).

Allele frequency attached by ClinVar (database versions not stated): gnomAD exomes below 0.00001; gnomAD 0.00001; TOPMed 0.00001.
gnomAD v4.1: 4 of 1,612,292 alleles (0.00025%); highest among the groups gnomAD compares: Non-Finnish European, 0.00034%; no homozygotes.

Submission:

Women's Health and Genetics/Laboratory Corporation of America, LabCorp
Classification: Uncertain significance. Last evaluated: 2024-02-05. Review status: criteria provided, single submitter. Criteria: LabCorp Variant Classification Summary - May 2015. Collection method: clinical testing. Allele origin: germline.
Comment: Variant summary: TBXA2R c.43A>G (p.Thr15Ala) results in a non-conservative amino acid change in the encoded protein sequence. Four of five in-silico tools predict a benign effect of the variant on protein function. The variant was absent in 241122 control chromosomes (gnomAD). The available data on variant occurrences in the general population are insufficient to allow any conclusion about variant significance. To our knowledge, no occurrence of c.43A>G in individuals affected with Bleeding Diathesis Due To Thromboxane Synthesis Deficiency and no experimental evidence demonstrating its impact on protein function have been reported. No submitters have cited clinical-significance assessments for this variant to ClinVar. Based on the evidence outlined above, the variant was classified as uncertain significance.

NM_001060.6(TBXA2R):c.43A>G (p.Thr15Ala)

Gene: TBXA2R (thromboxane A2 receptor; minus strand). Cytogenetic location: 19p13.3.
Variant type: single nucleotide variant.
Coding change: c.43A>G on transcript NM_001060.6 (MANE Select); coding-DNA position 43, A replaced by G.
Protein change: p.Thr15Ala; replaces threonine 15 with alanine.
Molecular consequence: missense variant.
Genome position (GRCh38, 1-based): chr19:3,600,592, T>C on the plus strand (A>G on the coding strand, the complement: TBXA2R is on the minus strand). VCF-style: chr19-3600592-T-C. GRCh37 (hg19) VCF-style: chr19-3600590-T-C.
Other names: c.43A>G, p.Thr15Ala (NM_201636.3); short protein forms T15A.
Identifiers: ClinVar variation 3068923 (VCV003068923.2), dbSNP rs200393359, ClinGen allele CA304368958.